The following is an entry in ClinVar:

NM_001312909.2(FAM111A):c.1286C>A (p.Pro429His)

Gene: FAM111A (FAM111 trypsin like peptidase A; plus strand). Cytogenetic location: 11q12.1.
Variant type: single nucleotide variant.
Coding change: c.1286C>A on transcript NM_001312909.2 (MANE Select); coding-DNA position 1286, C replaced by A.
Protein change: p.Pro429His; replaces proline 429 with histidine.
Molecular consequence: missense variant.
Genome position (GRCh38, 1-based): chr11:59,152,954, C>A. VCF-style: chr11-59152954-C-A. GRCh37 (hg19) VCF-style: chr11-58920427-C-A.
Other names: c.1286C>A, p.Pro429His (NM_001142519.3, NM_001142520.3, NM_001142521.3 and 29 more transcripts); short protein forms P429H.
Identifiers: ClinVar variation 1304189 (VCV001304189.3), dbSNP rs771954122, ClinGen allele CA6016743.

ClinVar aggregate classification (germline): Uncertain significance (1 of 4 stars; one submission).

gnomAD v4.1: 29 of 1,613,960 alleles (0.0018%); highest among the groups gnomAD compares: Non-Finnish European, 0.0024%; no homozygotes.

Submission:

GeneDx
Classification: Uncertain significance. Last evaluated: 2022-09-15. Review status: criteria provided, single submitter. Criteria: GeneDx Variant Classification Process June 2021. Collection method: clinical testing. Allele origin: germline. Affected: yes.
Comment: In silico analysis, which includes protein predictors and evolutionary conservation, supports a deleterious effect; Has not been previously published as pathogenic or benign to our knowledge; Not observed at significant frequency in large population cohorts (gnomAD)